The following is an entry in ClinVar:

ClinVar aggregate classification (germline): Conflicting classifications of pathogenicity. Review status: criteria provided, conflicting classifications (1 of 4 stars). 5 submissions from 5 submitters: Uncertain significance (1); Likely benign (3). 1 of the submissions does not count toward it. Last evaluated 2026-02-03.

Conditions:
Perlman syndrome (PRLMNS). Identifiers: Orphanet 2849, MedGen C0796113, MONDO:0009965, OMIM 267000.
DIS3L2-related disorder. Also called: DIS3L2-related condition.

Allele frequency attached by ClinVar (database versions not stated): TOPMed 0.00003; ExAC 0.00004; gnomAD 0.00004 and 0.00005; gnomAD exomes 0.00004 and 0.00007; 1000 Genomes Project 30x 0.00016; 1000 Genomes Project 0.00020.
gnomAD v4.1: 108 of 1,613,670 alleles (0.0067%); highest among the groups gnomAD compares: East Asian, 0.0089%; no homozygotes.

Submissions (5):

Labcorp Genetics (formerly Invitae), Labcorp
Classification: Likely benign for Perlman syndrome. Last evaluated: 2026-02-03. Review status: criteria provided, single submitter. Criteria: Invitae Variant Classification Sherloc (09022015). Collection method: clinical testing. Allele origin: germline.

CeGaT Center for Human Genetics Tuebingen
Classification: Likely benign. Last evaluated: 2026-01-01. Review status: criteria provided, single submitter. Criteria: CeGaT Center For Human Genetics Tuebingen Variant Classification Criteria Version 2. Collection method: clinical testing. Allele origin: germline. Affected: yes. Observed: 1 variant allele.
Comment: DIS3L2: BP4, BP7

Sema4
Classification: Likely benign for Perlman syndrome. Last evaluated: 2022-01-14. Review status: criteria provided, single submitter. Criteria: Sema4 Curation Guidelines. Collection method: curation. Allele origin: germline.

Illumina Laboratory Services, Illumina
Classification: Uncertain significance for Perlman syndrome. Last evaluated: 2018-01-12. Review status: criteria provided, single submitter. Criteria: ICSL Variant Classification Criteria 13 December 2019. Collection method: clinical testing. Allele origin: germline.

PreventionGenetics, part of Exact Sciences
Classification: Likely benign for DIS3L2-related condition. Last evaluated: 2019-09-12. Review status: no assertion criteria provided. Collection method: clinical testing. Allele origin: germline. Not counted in ClinVar's aggregate classification.
Comment: This variant is classified as likely benign based on ACMG/AMP sequence variant interpretation guidelines (Richards et al. 2015 PMID: 25741868, with internal and published modifications).

NM_152383.5(DIS3L2):c.1158C>T (p.Thr386=)

Gene: DIS3L2 (DIS3 like 3'-5' exoribonuclease 2; plus strand). Cytogenetic location: 2q37.1.
Variant type: single nucleotide variant.
Coding change: c.1158C>T on transcript NM_152383.5 (MANE Select); coding-DNA position 1158, C replaced by T.
Protein change: p.Thr386=; no amino-acid change (threonine 386 retained).
Molecular consequence: synonymous variant. On other transcripts: non-coding transcript variant (2).
Genome position (GRCh38, 1-based): chr2:232,210,359, C>T. VCF-style: chr2-232210359-C-T. GRCh37 (hg19) VCF-style: chr2-233075069-C-T.
Other names: c.1158C>T, p.Thr386= (NM_001257281.2).
Identifiers: ClinVar variation 334935 (VCV000334935.23), dbSNP rs539081624, ClinGen allele CA2164051.
Genomic context (GRCh38, chr2:232,210,359, plus strand): 5'-GCTAATTGTTTCTTCACTCTTTCCTAGAAAAGACTGTATCTTCACCATTGACCCATCAAC[C>T]GCCCGAGACCTCGATGATGCCCTCTCCTGCAAGCCACTCGCTGACGGTAGGATGGAAATT-3'
Protein context (NP_689596.4, residues 376-396): KDCIFTIDPS[Thr386=]ARDLDDALSC